The following is an entry in ClinVar:

ClinVar aggregate classification (germline): Uncertain significance (1 of 4 stars; one submission).

Submission:

Labcorp Genetics (formerly Invitae), Labcorp
Classification: Uncertain significance. Last evaluated: 2025-11-03. Review status: criteria provided, single submitter. Criteria: Invitae Variant Classification Sherloc (09022015). Collection method: clinical testing. Allele origin: germline.
Comment: This variant, c.1116_1117delinsCT, is a complex sequence change that results in the deletion of 2 and insertion of 2 amino acid(s) in the IL23R protein (p.Leu372_Ile373delinsPhePhe). Information on the frequency of this variant in the gnomAD database is not available, as this variant may be reported differently in the database. This variant has not been reported in the literature in individuals affected with IL23R-related conditions. ClinVar contains an entry for this variant (Variation ID: 1021370). Experimental studies and prediction algorithms are not available or were not evaluated, and the functional significance of this variant is currently unknown. In summary, the available evidence is currently insufficient to determine the role of this variant in disease. Therefore, it has been classified as a Variant of Uncertain Significance.

NM_144701.3(IL23R):c.1116_1117delinsCT (p.Leu372_Ile373delinsPhePhe)

Gene: IL23R (interleukin 23 receptor; plus strand). Cytogenetic location: 1p31.3.
Variant type: Indel.
Coding change: c.1116_1117delinsCT on transcript NM_144701.3 (MANE Select); coding-DNA positions 1116 to 1117, GA replaced by CT.
Protein change: p.Leu372_Ile373delinsPhePhe.
Molecular consequence: missense variant.
Genome position (GRCh38, 1-based): chr1:67,240,249-67,240,250, GA replaced by CT. VCF-style: chr1-67240249-GA-CT. GRCh37 (hg19) VCF-style: chr1-67705932-GA-CT.
Identifiers: ClinVar variation 1021370 (VCV001021370.8), dbSNP rs1651763913, ClinGen allele CA1173056552.
Genomic context (GRCh38, chr1:67,240,249, plus strand): 5'-AGACATTGGACTTTTATTGGGAATGATCGTCTTTGCTGTTATGTTGTCAATTCTTTCTTT[GA>CT]TTGGGATATTTAACAGATCATTCCGAACTGGGTAGGTTTTTGCAGAATTTCTGTTTTCTG-3'